The following is an entry in ClinVar:

NM_003900.5(SQSTM1):c.416G>A (p.Arg139His)

Gene: SQSTM1 (sequestosome 1; plus strand). Cytogenetic location: 5q35.3.
Variant type: single nucleotide variant.
Coding change: c.416G>A on transcript NM_003900.5 (MANE Select); coding-DNA position 416, G replaced by A.
Protein change: p.Arg139His; replaces arginine 139 with histidine.
Molecular consequence: missense variant.
Genome position (GRCh38, 1-based): chr5:179,823,972, G>A. VCF-style: chr5-179823972-G-A. GRCh37 (hg19) VCF-style: chr5-179250972-G-A.
Other names: c.164G>A, p.Arg55His (NM_001142298.2, NM_001142299.2); short protein forms R139H, R55H.
Identifiers: ClinVar variation 644285 (VCV000644285.10), dbSNP rs758090054, ClinGen allele CA3600502.

ClinVar aggregate classification (germline): Uncertain significance. Review status: criteria provided, multiple submitters, no conflicts (2 of 4 stars). 3 submissions from 3 submitters: Uncertain significance (3). Last evaluated 2024-11-04.

Conditions:
Paget disease of bone 2, early-onset (PDB2). Also called: Paget disease of bone 2. Identifiers: MedGen C4085251, MONDO:0011183, OMIM 602080.
Frontotemporal dementia and/or amyotrophic lateral sclerosis 1 (FTDALS1). Also called: C9orf72 Frontotemporal Dementia and/or Amyotrophic Lateral Sclerosis; Frontotemporal dementia with motor neuron disease 1. Identifiers: Orphanet 275872, MedGen C5779877, MONDO:0007105, OMIM 105550.
Myopathy, distal, with rimmed vacuoles (DMRV). Also called: MULTISYSTEM PROTEINOPATHY 4. Identifiers: MedGen C5399975, MONDO:0014945, OMIM 617158.

Allele frequency attached by ClinVar (database versions not stated): ExAC 0.00001; gnomAD exomes 0.00001; TOPMed 0.00001; gnomAD 0.00003.
gnomAD v4.1: 16 of 1,613,892 alleles (0.00099%); highest among the groups gnomAD compares: South Asian, 0.0033%; no homozygotes.

Submissions (3):

Labcorp Genetics (formerly Invitae), Labcorp
Classification: Uncertain significance for Paget disease of bone 2, early-onset; Frontotemporal dementia and/or amyotrophic lateral sclerosis 1. Last evaluated: 2024-11-04. Review status: criteria provided, single submitter. Criteria: Invitae Variant Classification Sherloc (09022015). Collection method: clinical testing. Allele origin: germline.
Comment: This sequence change replaces arginine, which is basic and polar, with histidine, which is basic and polar, at codon 139 of the SQSTM1 protein (p.Arg139His). The frequency data for this variant in the population databases is considered unreliable, as metrics indicate poor data quality at this position in the gnomAD database. This missense change has been observed in individual(s) with clinical features of SQSTM1-related conditions (PMID: 31914217). ClinVar contains an entry for this variant (Variation ID: 644285). Invitae Evidence Modeling of protein sequence and biophysical properties (such as structural, functional, and spatial information, amino acid conservation, physicochemical variation, residue mobility, and thermodynamic stability) indicates that this missense variant is expected to disrupt SQSTM1 protein function with a positive predictive value of 80%. In summary, the available evidence is currently insufficient to determine the role of this variant in disease. Therefore, it has been classified as a Variant of Uncertain Significance.

Baylor Genetics
Classification: Uncertain significance for Myopathy, distal, with rimmed vacuoles. Last evaluated: 2023-03-20. Review status: criteria provided, single submitter. Criteria: ACMG Guidelines, 2015. Collection method: clinical testing. Allele origin: unknown.

Athena Diagnostics
Classification: Uncertain significance. Last evaluated: 2020-11-05. Review status: criteria provided, single submitter. Criteria: Athena Diagnostics criteria. Collection method: clinical testing. Allele origin: unknown.

Literature cited by the submitters: PubMed 31914217 (cited by Labcorp Genetics (formerly Invitae), Labcorp and Athena Diagnostics).